The following is an entry in ClinVar:

ClinVar aggregate classification (germline): Uncertain significance (1 of 4 stars; one submission).

gnomAD v4.1: 1 of 1,614,018 alleles (0.000062%); highest among the groups gnomAD compares: Non-Finnish European, 0.000085%; no homozygotes.

Submission:

Ambry Genetics
Classification: Uncertain significance. Last evaluated: 2025-09-10. Review status: criteria provided, single submitter. Criteria: Ambry Variant Classification Scheme 2023. Collection method: clinical testing. Allele origin: germline.
Comment: The p.A585V variant (also known as c.1754C>T), located in coding exon 12 of the RINT1 gene, results from a C to T substitution at nucleotide position 1754. The alanine at codon 585 is replaced by valine, an amino acid with similar properties. This amino acid position is conserved. In addition, the in silico prediction for this alteration is inconclusive. Based on the available evidence, the clinical significance of this variant remains unclear.

NM_021930.6(RINT1):c.1754C>T (p.Ala585Val)

Gene: RINT1 (RAD50 interactor 1; plus strand). Cytogenetic location: 7q22.3.
Variant type: single nucleotide variant.
Coding change: c.1754C>T on transcript NM_021930.6 (MANE Select); coding-DNA position 1754, C replaced by T.
Protein change: p.Ala585Val; replaces alanine 585 with valine.
Molecular consequence: missense variant. On other transcripts: non-coding transcript variant (1).
Genome position (GRCh38, 1-based): chr7:105,563,815, C>T. VCF-style: chr7-105563815-C-T. GRCh37 (hg19) VCF-style: chr7-105204262-C-T.
Other names: c.1520C>T, p.Ala507Val (NM_001346599.2); c.731C>T, p.Ala244Val (NM_001346600.2, NM_001346603.2); c.830C>T, p.Ala277Val (NM_001346601.2); short protein forms A507V, A244V, A585V, A277V.
Identifiers: ClinVar variation 4154633 (VCV004154633.1).